The following is an entry in ClinVar:

ClinVar aggregate classification (germline): Likely benign (1 of 4 stars; one submission).

Conditions:
KDM5C-related disorder. Also called: KDM5C-related condition.

gnomAD v4.1: 11 of 1,210,565 alleles (0.00091%); highest among the groups gnomAD compares: Admixed American, 0.0087%; no homozygotes.

Submission:

PreventionGenetics, part of Exact Sciences
Classification: Likely benign for KDM5C-related condition. Last evaluated: 2026-05-22. Review status: criteria provided, single submitter. Criteria: ACMG Guidelines, 2015. Collection method: clinical testing. Allele origin: germline.
Comment: This variant is classified as likely benign based on ACMG/AMP sequence variant interpretation guidelines (Richards et al. 2015 PMID: 25741868, with internal and published modifications).

NM_004187.5(KDM5C):c.2852G>A (p.Arg951Gln)

Gene: KDM5C (lysine demethylase 5C; minus strand). Cytogenetic location: Xp11.22.
Variant type: single nucleotide variant.
Coding change: c.2852G>A on transcript NM_004187.5 (MANE Select); coding-DNA position 2852, G replaced by A.
Protein change: p.Arg951Gln; replaces arginine 951 with glutamine.
Molecular consequence: missense variant. On other transcripts: non-coding transcript variant (3).
Genome position (GRCh38, 1-based): chrX:53,196,815, C>T on the plus strand (G>A on the coding strand, the complement: KDM5C is on the minus strand). VCF-style: chrX-53196815-C-T. GRCh37 (hg19) VCF-style: chrX-53225997-C-T.
Other names: c.2651G>A, p.Arg884Gln (NM_001146702.2); c.2849G>A, p.Arg950Gln (NM_001282622.3, NM_001353979.2, NM_001353982.2); c.2852G>A, p.Arg951Gln (NM_001353978.3, NM_001353981.2, NM_001353984.2); short protein forms R951Q, R884Q, R950Q.
Identifiers: ClinVar variation 4988007 (VCV004988007.1).